The following is an entry in ClinVar:

ClinVar aggregate classification (germline): Pathogenic (1 of 4 stars; one submission).

Allele frequency attached by ClinVar (database versions not stated): gnomAD exomes below 0.00001 and 0.00001; TOPMed below 0.00001; gnomAD 0.00001.

Submission:

Labcorp Genetics (formerly Invitae), Labcorp
Classification: Pathogenic. Last evaluated: 2021-01-13. Review status: criteria provided, single submitter. Criteria: Invitae Variant Classification Sherloc (09022015). Collection method: clinical testing. Allele origin: germline.
Comment: This variant is not present in population databases (ExAC no frequency). This sequence change creates a premature translational stop signal (p.Tyr243Serfs*9) in the RETREG1 gene. It is expected to result in an absent or disrupted protein product. Loss-of-function variants in RETREG1 are known to be pathogenic (PMID: 19838196). This variant has not been reported in the literature in individuals with RETREG1-related conditions. For these reasons, this variant has been classified as Pathogenic.

Literature cited by the submitters: PubMed 19838196.

NM_001034850.3(RETREG1):c.728del (p.Tyr243fs)

Gene: RETREG1 (reticulophagy regulator 1; minus strand). Cytogenetic location: 5p15.1.
Variant type: Deletion.
Coding change: c.728del on transcript NM_001034850.3 (MANE Select); coding-DNA position 728, one base deleted (A; older notation c.728delA).
Protein change: p.Tyr243fs; shifts the reading frame from tyrosine 243.
Molecular consequence: frameshift variant.
Genome position (GRCh38, 1-based): chr5:16,478,930, T deleted on the plus strand (A on the coding strand, the reverse complement: RETREG1 is on the minus strand). VCF-style (leftmost placement, unchanged base first): chr5-16478929-GT-G. GRCh37 (hg19) VCF-style: chr5-16479038-GT-G.
Other names: c.305del, p.Tyr102fs (NM_019000.5); short protein forms Y102fs, Y243fs.
Identifiers: ClinVar variation 1076405 (VCV001076405.7), dbSNP rs1435783250, ClinGen allele CA557898913.
Genomic context (GRCh38, chr5:16,478,929, plus strand): 5'-CTGATTAATATATTCTCCAATTCCAAAATCCAGTTTCAGCAGAACTGACTTAATTTTGCT[GT>G]AAATTTTTTGTCCAATATCATTACATTTAAACAATGGACACAAAAATGCACACAGTACTG-3'